The following is an entry in ClinVar:

NM_001042492.3(NF1):c.5233A>C (p.Lys1745Gln)

Gene: NF1 (neurofibromin 1; plus strand). Cytogenetic location: 17q11.2.
Variant type: single nucleotide variant.
Coding change: c.5233A>C on transcript NM_001042492.3 (MANE Select); coding-DNA position 5233, A replaced by C.
Protein change: p.Lys1745Gln; replaces lysine 1745 with glutamine.
Molecular consequence: missense variant.
Genome position (GRCh38, 1-based): chr17:31,326,217, A>C. VCF-style: chr17-31326217-A-C. GRCh37 (hg19) VCF-style: chr17-29653235-A-C.
Other names: c.5170A>C, p.Lys1724Gln (NM_000267.4); short protein forms K1724Q, K1745Q.
Identifiers: ClinVar variation 1432531 (VCV001432531.9), dbSNP rs2151538985, ClinGen allele CA399008255.

ClinVar aggregate classification (germline): Uncertain significance. Review status: criteria provided, multiple submitters, no conflicts (2 of 4 stars). 2 submissions from 2 submitters: Uncertain significance (2). Last evaluated 2024-07-30.

Conditions:
Cardiovascular phenotype. Identifiers: MedGen CN230736.
Hereditary cancer-predisposing syndrome. Also called: Neoplastic Syndromes, Hereditary; Hereditary Cancer Syndrome; Tumor predisposition; Hereditary neoplastic syndrome. Identifiers: Orphanet 140162, MedGen C0027672, MeSH D009386, MONDO:0015356.
Neurofibromatosis, type 1 (NF1). Also called: Peripheral type neurofibromatosis; VON RECKLINGHAUSEN DISEASE; NEUROFIBROMATOSIS, TYPE I, SOMATIC; Neurofibromatosis, type I. Identifiers: Orphanet 636, MedGen C0027831, MONDO:0018975, OMIM 162200. Disease mechanism: loss of function.

Submissions (2):

Ambry Genetics
Classification: Uncertain significance for Cardiovascular phenotype; Hereditary cancer-predisposing syndrome. Last evaluated: 2024-07-30. Review status: criteria provided, single submitter. Criteria: Ambry Variant Classification Scheme 2023. Collection method: clinical testing. Allele origin: germline.
Comment: The p.K1724Q variant (also known as c.5170A>C), located in coding exon 36 of the NF1 gene, results from an A to C substitution at nucleotide position 5170. The lysine at codon 1724 is replaced by glutamine, an amino acid with similar properties. This amino acid position is conserved. In addition, this alteration is predicted to be tolerated by in silico analysis. Based on the available evidence, the clinical significance of this variant remains unclear.

Labcorp Genetics (formerly Invitae), Labcorp
Classification: Uncertain significance for Neurofibromatosis, type 1. Last evaluated: 2021-02-20. Review status: criteria provided, single submitter. Criteria: Invitae Variant Classification Sherloc (09022015). Collection method: clinical testing. Allele origin: germline.
Comment: In summary, the available evidence is currently insufficient to determine the role of this variant in disease. Therefore, it has been classified as a Variant of Uncertain Significance. Advanced modeling of protein sequence and biophysical properties (such as structural, functional, and spatial information, amino acid conservation, physicochemical variation, residue mobility, and thermodynamic stability) performed at Invitae indicates that this missense variant is not expected to disrupt NF1 protein function. This variant has not been reported in the literature in individuals with NF1-related conditions. This variant is not present in population databases (ExAC no frequency). This sequence change replaces lysine with glutamine at codon 1724 of the NF1 protein (p.Lys1724Gln). The lysine residue is moderately conserved and there is a small physicochemical difference between lysine and glutamine.